The following is an entry in ClinVar:

NM_139076.3(ABRAXAS1):c.306C>G (p.Phe102Leu)

Gene: ABRAXAS1 (abraxas 1, BRCA1 A complex subunit; minus strand). Cytogenetic location: 4q21.23.
Variant type: single nucleotide variant.
Coding change: c.306C>G on transcript NM_139076.3 (MANE Select); coding-DNA position 306, C replaced by G.
Protein change: p.Phe102Leu; replaces phenylalanine 102 with leucine.
Molecular consequence: missense variant. On other transcripts: 5 prime UTR variant (1).
Genome position (GRCh38, 1-based): chr4:83,470,373, G>C on the plus strand (C>G on the coding strand, the complement: ABRAXAS1 is on the minus strand). VCF-style: chr4-83470373-G-C. GRCh37 (hg19) VCF-style: chr4-84391526-G-C.
Other names: c.-22C>G (NM_001345962.2); short protein forms F102L.
Identifiers: ClinVar variation 3994570 (VCV003994570.1).

ClinVar aggregate classification (germline): Uncertain significance (1 of 4 stars; one submission).

Submission:

Ambry Genetics
Classification: Uncertain significance. Last evaluated: 2025-04-07. Review status: criteria provided, single submitter. Criteria: Ambry Variant Classification Scheme 2023. Collection method: clinical testing. Allele origin: germline.
Comment: The p.F102L variant (also known as c.306C>G), located in coding exon 5 of the FAM175A gene, results from a C to G substitution at nucleotide position 306. The phenylalanine at codon 102 is replaced by leucine, an amino acid with highly similar properties. This amino acid position is conserved. In addition, this alteration is predicted to be tolerated by in silico analysis. Based on the available evidence, the clinical significance of this variant remains unclear.